The following is an entry in ClinVar:

NM_019066.5(MAGEL2):c.43G>T (p.Ala15Ser)

Gene: MAGEL2 (MAGE family member L2; minus strand). Cytogenetic location: 15q11.2.
Variant type: single nucleotide variant.
Coding change: c.43G>T on transcript NM_019066.5 (MANE Select); coding-DNA position 43, G replaced by T.
Protein change: p.Ala15Ser; replaces alanine 15 with serine.
Molecular consequence: missense variant.
Genome position (GRCh38, 1-based): chr15:23,647,700, C>A on the plus strand (G>T on the coding strand, the complement: MAGEL2 is on the minus strand). VCF-style: chr15-23647700-C-A. GRCh37 (hg19) VCF-style: chr15-23892847-C-A.
Other names: short protein forms A15S.
Identifiers: ClinVar variation 3730989 (VCV003730989.1).

ClinVar aggregate classification (germline): Uncertain significance (1 of 4 stars; one submission).

Submission:

GeneDx
Classification: Uncertain significance. Last evaluated: 2024-08-12. Review status: criteria provided, single submitter. Criteria: GeneDx Variant Classification Process June 2021. Collection method: clinical testing. Allele origin: germline. Affected: yes.
Comment: Not observed at significant frequency in large population cohorts (gnomAD); In silico analysis supports that this missense variant has a deleterious effect on protein structure/function; Has not been previously published as pathogenic or benign to our knowledge